The following is an entry in ClinVar:

ClinVar aggregate classification (germline): Pathogenic (1 of 4 stars; one submission).

Submission:

Labcorp Genetics (formerly Invitae), Labcorp
Classification: Pathogenic. Last evaluated: 2024-05-09. Review status: criteria provided, single submitter. Criteria: Invitae Variant Classification Sherloc (09022015). Collection method: clinical testing. Allele origin: germline.
Comment: This sequence change replaces tryptophan, which is neutral and slightly polar, with cysteine, which is neutral and slightly polar, at codon 184 of the UMOD protein (p.Trp184Cys). This variant is not present in population databases (gnomAD no frequency). This missense change has been observed in individuals with clinical features of UMOD-related conditions (PMID: 21868615, 32113667). It has also been observed to segregate with disease in related individuals. Advanced modeling of protein sequence and biophysical properties (such as structural, functional, and spatial information, amino acid conservation, physicochemical variation, residue mobility, and thermodynamic stability) has been performed at Invitae for this missense variant, however the output from this modeling did not meet the statistical confidence thresholds required to predict the impact of this variant on UMOD protein function. For these reasons, this variant has been classified as Pathogenic.

Literature cited by the submitters: PubMed 21868615; PubMed 32113667.

NM_003361.4(UMOD):c.552G>T (p.Trp184Cys)

Gene: UMOD (uromodulin; minus strand). Cytogenetic location: 16p12.3.
Variant type: single nucleotide variant.
Coding change: c.552G>T on transcript NM_003361.4 (MANE Select); coding-DNA position 552, G replaced by T.
Protein change: p.Trp184Cys; replaces tryptophan 184 with cysteine.
Molecular consequence: missense variant. On other transcripts: non-coding transcript variant (1).
Genome position (GRCh38, 1-based): chr16:20,348,749, C>A on the plus strand (G>T on the coding strand, the complement: UMOD is on the minus strand). VCF-style: chr16-20348749-C-A. GRCh37 (hg19) VCF-style: chr16-20360071-C-A.
Other names: c.552G>T, p.Trp184Cys (NM_001008389.3, NM_001378232.1, NM_001378233.1 and 3 more transcripts); c.651G>T, p.Trp217Cys (NM_001278614.2); short protein forms W217C, W184C.
Identifiers: ClinVar variation 3647283 (VCV003647283.2).
Genomic context (GRCh38, chr16:20,348,749, plus strand): 5'-GCGGTACCAGCCGCGCAGGTCCGTGTCGCAGGCGTAGCCCTCCCCGTACTCGGTGCTGCG[C>A]CAGTACTCGTCCAGGGTGCGGTGCGCCTGGCACGGATCCGCGCACACGAGCGCGTCGCCC-3'
Protein context (NP_003352.2, residues 174-194): CQAHRTLDEY[Trp184Cys]RSTEYGEGYA